The following is an entry in ClinVar:

ClinVar aggregate classification (germline): Uncertain significance (1 of 4 stars; one submission).

Allele frequency attached by ClinVar (database versions not stated): gnomAD exomes below 0.00001.
gnomAD v4.1: 2 of 1,591,946 alleles (0.00013%); highest among the groups gnomAD compares: Non-Finnish European, 0.000086%; no homozygotes.

Submission:

Labcorp Genetics (formerly Invitae), Labcorp
Classification: Uncertain significance. Last evaluated: 2022-04-21. Review status: criteria provided, single submitter. Criteria: Invitae Variant Classification Sherloc (09022015). Collection method: clinical testing. Allele origin: germline.
Comment: In summary, the available evidence is currently insufficient to determine the role of this variant in disease. Therefore, it has been classified as a Variant of Uncertain Significance. Algorithms developed to predict the effect of missense changes on protein structure and function (SIFT, PolyPhen-2, Align-GVGD) all suggest that this variant is likely to be tolerated. This variant has not been reported in the literature in individuals affected with RASGRP1-related conditions. This variant is present in population databases (no rsID available, gnomAD 0.005%). This sequence change replaces threonine, which is neutral and polar, with isoleucine, which is neutral and non-polar, at codon 702 of the RASGRP1 protein (p.Thr702Ile).

NM_005739.4(RASGRP1):c.2105C>T (p.Thr702Ile)

Gene: RASGRP1 (RAS guanyl releasing protein 1; minus strand). Cytogenetic location: 15q14.
Variant type: single nucleotide variant.
Coding change: c.2105C>T on transcript NM_005739.4 (MANE Select); coding-DNA position 2105, C replaced by T.
Protein change: p.Thr702Ile; replaces threonine 702 with isoleucine.
Molecular consequence: missense variant. On other transcripts: intron variant (1).
Genome position (GRCh38, 1-based): chr15:38,494,536, G>A on the plus strand (C>T on the coding strand, the complement: RASGRP1 is on the minus strand). VCF-style: chr15-38494536-G-A. GRCh37 (hg19) VCF-style: chr15-38786737-G-A.
Other names: c.2000C>T, p.Thr667Ile (NM_001128602.2); c.1769-3848C>T (NM_001306086.2); short protein forms T667I, T702I.
Identifiers: ClinVar variation 2128919 (VCV002128919.3), dbSNP rs1259715929, ClinGen allele CA391662022.